The following is an entry in ClinVar:

ClinVar aggregate classification (germline): Uncertain significance (1 of 4 stars; one submission).

Allele frequency attached by ClinVar (database versions not stated): TOPMed below 0.00001.

Submission:

Labcorp Genetics (formerly Invitae), Labcorp
Classification: Uncertain significance. Last evaluated: 2019-10-17. Review status: criteria provided, single submitter. Criteria: Invitae Variant Classification Sherloc (09022015). Collection method: clinical testing. Allele origin: germline.
Comment: In summary, the available evidence is currently insufficient to determine the role of this variant in disease. Therefore, it has been classified as a Variant of Uncertain Significance. Algorithms developed to predict the effect of missense changes on protein structure and function (SIFT, PolyPhen-2, Align-GVGD) all suggest that this variant is likely to be disruptive, but these predictions have not been confirmed by published functional studies and their clinical significance is uncertain. This variant has not been reported in the literature in individuals with CTF1-related conditions. The frequency data for this variant in the population databases is considered unreliable, as metrics indicate insufficient coverage at this position in the ExAC database. This sequence change replaces glycine with arginine at codon 80 of the CTF1 protein (p.Gly80Arg). The glycine residue is highly conserved and there is a moderate physicochemical difference between glycine and arginine.

NM_001330.5(CTF1):c.238G>A (p.Gly80Arg)

Genes: CTF1 (cardiotrophin 1; plus strand), LOC130058878 (ATAC-STARR-seq lymphoblastoid silent region 7400; plus strand). Cytogenetic location: 16p11.2.
Variant type: single nucleotide variant.
Coding change: c.238G>A on transcript NM_001330.5 (MANE Select); coding-DNA position 238, G replaced by A.
Protein change: p.Gly80Arg; replaces glycine 80 with arginine.
Molecular consequence: missense variant. On other transcripts: non-coding transcript variant (1).
Genome position (GRCh38, 1-based): chr16:30,902,171, G>A. VCF-style: chr16-30902171-G-A. GRCh37 (hg19) VCF-style: chr16-30913492-G-A.
Other names: c.235G>A, p.Gly79Arg (NM_001142544.3); short protein forms G79R, G80R.
Identifiers: ClinVar variation 967963 (VCV000967963.10), dbSNP rs1421511267, ClinGen allele CA395618551.